The following is an entry in ClinVar:

ClinVar aggregate classification (germline): Pathogenic. Review status: criteria provided, multiple submitters, no conflicts (2 of 4 stars). 2 submissions from 2 submitters: Pathogenic (2). Last evaluated 2023-11-17.

Conditions:
Hereditary cancer-predisposing syndrome. Also called: Hereditary Cancer Syndrome; Hereditary neoplastic syndrome; Neoplastic Syndromes, Hereditary; Tumor predisposition. Identifiers: Orphanet 140162, MedGen C0027672, MeSH D009386, MONDO:0015356.
Bloom syndrome (BLM). Also called: Bloom-Torre-Machacek syndrome. Identifiers: Orphanet 125, MedGen C0005859, MONDO:0008876, OMIM 210900.

Submissions (2):

Labcorp Genetics (formerly Invitae), Labcorp
Classification: Pathogenic for Bloom syndrome. Last evaluated: 2023-11-17. Review status: criteria provided, single submitter. Criteria: Invitae Variant Classification Sherloc (09022015). Collection method: clinical testing. Allele origin: germline.
Comment: This sequence change creates a premature translational stop signal (p.Glu377Serfs*6) in the BLM gene. It is expected to result in an absent or disrupted protein product. Loss-of-function variants in BLM are known to be pathogenic (PMID: 17407155). This variant is not present in population databases (gnomAD no frequency). This variant has not been reported in the literature in individuals affected with BLM-related conditions. ClinVar contains an entry for this variant (Variation ID: 454063). Algorithms developed to predict the effect of sequence changes on RNA splicing suggest that this variant may disrupt the consensus splice site. For these reasons, this variant has been classified as Pathogenic.

Ambry Genetics
Classification: Pathogenic for Hereditary cancer-predisposing syndrome. Last evaluated: 2022-01-28. Review status: criteria provided, single submitter. Criteria: Ambry Variant Classification Scheme 2023. Collection method: clinical testing. Allele origin: germline.
Comment: The c.1129delG pathogenic mutation, located in coding exon 5 of the BLM gene, results from a deletion of one nucleotide at nucleotide position 1129, causing a translational frameshift with a predicted alternate stop codon (p.E377Sfs*6). This variant was identified in 1/317 men in a metastatic prostate cancer cohort undergoing hereditary cancer genetic testing (Boyle JL et al. JCO Precis Oncol, 2020 Mar;4:). This variant is considered to be rare based on population cohorts in the Genome Aggregation Database (gnomAD). In addition to the clinical data presented in the literature, this alteration is expected to result in loss of function by premature protein truncation or nonsense-mediated mRNA decay. As such, this alteration is interpreted as a disease-causing mutation.

Literature cited by the submitters: PubMed 17407155 (cited by Labcorp Genetics (formerly Invitae), Labcorp); PubMed 32923906 (cited by Ambry Genetics).

NM_000057.4(BLM):c.1129del (p.Glu377fs)

Gene: BLM (BLM RecQ like helicase; plus strand). Cytogenetic location: 15q26.1.
Variant type: Deletion.
Coding change: c.1129del on transcript NM_000057.4 (MANE Select); coding-DNA position 1129, one base deleted (G; older notation c.1129delG).
Protein change: p.Glu377fs; shifts the reading frame from glutamic acid 377.
Molecular consequence: frameshift variant. On other transcripts: initiator codon variant (1).
Genome position (GRCh38, 1-based): chr15:90,760,188, G deleted; the last of 2 consecutive G bases (chr15:90,760,187-90,760,188); deleting either gives the same sequence. VCF-style (leftmost placement, unchanged base first): chr15-90760186-TG-T. GRCh37 (hg19) VCF-style: chr15-91303416-TG-T.
Other names: c.1129del, p.Glu377fs (NM_001287246.2, NM_001287247.2); c.4del, p.Glu2fs (NM_001287248.2); short protein forms E2fs, E377fs.
Identifiers: ClinVar variation 454063 (VCV000454063.10), dbSNP rs1555419710, ClinGen allele CA658658313.